The following is an entry in ClinVar:

NM_000388.4(CASR):c.976C>T (p.Gln326Ter)

Gene: CASR (calcium sensing receptor; plus strand). Cytogenetic location: 3q21.1.
Variant type: single nucleotide variant.
Coding change: c.976C>T on transcript NM_000388.4 (MANE Select); coding-DNA position 976, C replaced by T.
Protein change: p.Gln326Ter; replaces glutamine 326 with a stop codon.
Molecular consequence: nonsense.
Genome position (GRCh38, 1-based): chr3:122,262,011, C>T. VCF-style: chr3-122262011-C-T. GRCh37 (hg19) VCF-style: chr3-121980858-C-T.
Other names: c.976C>T, p.Gln326Ter (NM_001178065.2); short protein forms Q326*.
Identifiers: ClinVar variation 3231599 (VCV003231599.1), dbSNP rs2074631977, ClinGen allele CA354151887.

ClinVar aggregate classification (germline): Pathogenic (1 of 4 stars; one submission).

Conditions:
Nephrolithiasis/nephrocalcinosis. Identifiers: MedGen CN580796.

Submission:

Ambry Genetics
Classification: Pathogenic for Nephrolithiasis/nephrocalcinosis. Last evaluated: 2023-12-08. Review status: criteria provided, single submitter. Criteria: Ambry Variant Classification Scheme 2023. Collection method: clinical testing. Allele origin: germline.
Comment: The p.Q326* variant (also known as c.976C>T), located in coding exon 3 of the CASR gene, results from a C to T substitution at nucleotide position 976. This changes the amino acid from a glutamine to a stop codon within coding exon 3. This variant is considered to be rare based on population cohorts in the Genome Aggregation Database (gnomAD). This alteration is expected to result in loss of function by premature protein truncation or nonsense-mediated mRNA decay. As such, this alteration is interpreted as a disease-causing mutation.